The following is an entry in ClinVar:

NM_015450.3(POT1):c.108T>G (p.Tyr36Ter)

Gene: POT1 (protection of telomeres 1; minus strand). Cytogenetic location: 7q31.33.
Variant type: single nucleotide variant.
Coding change: c.108T>G on transcript NM_015450.3 (MANE Select); coding-DNA position 108, T replaced by G.
Protein change: p.Tyr36Ter; replaces tyrosine 36 with a stop codon.
Molecular consequence: nonsense. On other transcripts: 5 prime UTR variant (1), non-coding transcript variant (3).
Genome position (GRCh38, 1-based): chr7:124,892,282, A>C on the plus strand (T>G on the coding strand, the complement: POT1 is on the minus strand). VCF-style: chr7-124892282-A-C. GRCh37 (hg19) VCF-style: chr7-124532336-A-C.
Other names: c.-155T>G (NM_001042594.2); short protein forms Y36*.
Identifiers: ClinVar variation 1789072 (VCV001789072.3), dbSNP rs2485562504, ClinGen allele CA369065998.
Genomic context (GRCh38, chr7:124,892,282, plus strand): 5'-AATGCATTTCCACTCCAAAAAACTCCACCAGTTTTAATACCTACCAGTTCCTTTGCTTAG[A>C]TATGGGGGCTTAAAGAACTTCACAACACCATAGACATTGACAATTGTACCACCCTTAAGT-3'

ClinVar aggregate classification (germline): Likely pathogenic (1 of 4 stars; one submission).

Conditions:
Hereditary cancer-predisposing syndrome. Also called: Hereditary Cancer Syndrome; Hereditary neoplastic syndrome; Tumor predisposition; Neoplastic Syndromes, Hereditary. Identifiers: Orphanet 140162, MedGen C0027672, MeSH D009386, MONDO:0015356.

Submission:

Ambry Genetics
Classification: Likely pathogenic for Hereditary cancer-predisposing syndrome. Last evaluated: 2024-05-08. Review status: criteria provided, single submitter. Criteria: Ambry Variant Classification Scheme 2023. Collection method: clinical testing. Allele origin: germline.
Comment: The p.Y36* variant (also known as c.108T>G), located in coding exon 2 of the POT1 gene, results from a T to G substitution at nucleotide position 108. This changes the amino acid from a tyrosine to a stop codon within coding exon 2. The predicted stop codon occurs in the 5&rsquo; end of thePOT1 gene. Premature termination codons in the 5&rsquo; end of a gene have been reported to escape nonsense-mediated mRNAdecay and/or lead to re-initiation (Rivas et al. Science. 2015 May 8;348(6235):666-9; Lindeboom et al. Nat Genet. 2016 Oct;48(10):1112-8; Rhee et al. Sci Rep. 2017 May 10;7(1):1653). Direct evidence for this alteration is unavailable, however premature termination codons are typically deleterious in nature. This variant is considered to be rare based on population cohorts in the Genome Aggregation Database (gnomAD). Based on the majority of available evidence to date, this variant is likely to be pathogenic.